The following is an entry in ClinVar:

NM_138927.4(SON):c.5788C>T (p.Arg1930Trp)

Gene: SON (SON DNA and RNA binding protein; plus strand). Cytogenetic location: 21q22.11.
Variant type: single nucleotide variant.
Coding change: c.5788C>T on transcript NM_138927.4 (MANE Select); coding-DNA position 5788, C replaced by T.
Protein change: p.Arg1930Trp; replaces arginine 1930 with tryptophan.
Molecular consequence: missense variant. On other transcripts: non-coding transcript variant (1), intron variant (1).
Genome position (GRCh38, 1-based): chr21:33,555,019, C>T. VCF-style: chr21-33555019-C-T. GRCh37 (hg19) VCF-style: chr21-34927325-C-T.
Other names: c.5788C>T, p.Arg1930Trp (NM_001291411.2, NM_001412133.1, NM_138926.1 and 2 more transcripts); c.245-2137C>T (NM_001291412.3); short protein forms R1930W.
Identifiers: ClinVar variation 2585199 (VCV002585199.4), dbSNP rs141090281, ClinGen allele CA10009804.

ClinVar aggregate classification (germline): Uncertain significance. Review status: criteria provided, multiple submitters, no conflicts (2 of 4 stars). 2 submissions from 2 submitters: Uncertain significance (2). Last evaluated 2023-02-09.

Conditions:
ZTTK syndrome (ZTTKS). Also called: ZTTK MULTIPLE CONGENITAL ANOMALIES-MENTAL RETARDATION SYNDROME; Zhu-Tokita-Takenouchi-Kim Syndrome. Identifiers: Orphanet 500150, MedGen C4310696, MONDO:0014936, OMIM 617140.

Allele frequency attached by ClinVar (database versions not stated): gnomAD 0.00001; ExAC 0.00003; gnomAD exomes 0.00003; TOPMed 0.00003; ESP Exome Variant Server 0.00008.
gnomAD v4.1: 48 of 1,613,010 alleles (0.003%); highest among the groups gnomAD compares: Non-Finnish European, 0.0036%; no homozygotes.

Submissions (2):

Labcorp Genetics (formerly Invitae), Labcorp
Classification: Uncertain significance. Last evaluated: 2023-02-09. Review status: criteria provided, single submitter. Criteria: Invitae Variant Classification Sherloc (09022015). Collection method: clinical testing. Allele origin: germline.
Comment: This variant has not been reported in the literature in individuals affected with SON-related conditions. In summary, the available evidence is currently insufficient to determine the role of this variant in disease. Therefore, it has been classified as a Variant of Uncertain Significance. Algorithms developed to predict the effect of missense changes on protein structure and function are either unavailable or do not agree on the potential impact of this missense change (SIFT: "Deleterious"; PolyPhen-2: "Not Available"; Align-GVGD: "Class C0"). This sequence change replaces arginine, which is basic and polar, with tryptophan, which is neutral and slightly polar, at codon 1930 of the SON protein (p.Arg1930Trp). This variant is present in population databases (rs141090281, gnomAD 0.005%).

Neuberg Centre For Genomic Medicine, NCGM
Classification: Uncertain significance for ZTTK syndrome. Review status: criteria provided, single submitter. Criteria: ACMG Guidelines, 2015. Collection method: clinical testing. Allele origin: germline. Inheritance: Autosomal dominant inheritance. Affected: yes.
Comment: The missense variant p.R1930W in SON (NM_032195.3) has not been reported previously as a pathogenic variant nor as a benign variant, to our knowledge. The p.Arg1930Trp variant is novel (not in any individuals) in 1000 Genomes. There is a moderate physicochemical difference between arginine and tryptophan. The variant is predicted to be damaging by both SIFT and PolyPhen2. The residue is conserved across species. The amino acid change p.Arg1930Trp in SON is predicted as conserved by GERP++ and PhyloP across 100 vertebrates. For these reasons, this variant has been classified as Uncertain Significance.